The following is an entry in ClinVar:

NM_206933.4(USH2A):c.1434G>C (p.Glu478Asp)

Gene: USH2A (usherin; minus strand). Cytogenetic location: 1q41.
Variant type: single nucleotide variant.
Coding change: c.1434G>C on transcript NM_206933.4 (MANE Select); coding-DNA position 1434, G replaced by C.
Protein change: p.Glu478Asp; replaces glutamic acid 478 with aspartic acid.
Molecular consequence: missense variant.
Genome position (GRCh38, 1-based): chr1:216,323,590, C>G on the plus strand (G>C on the coding strand, the complement: USH2A is on the minus strand). VCF-style: chr1-216323590-C-G. GRCh37 (hg19) VCF-style: chr1-216496932-C-G.
Other names: c.1434G>C, p.Glu478Asp (NM_007123.6); short protein forms E478D.
Identifiers: ClinVar variation 48437 (VCV000048437.54), dbSNP rs35730265, ClinGen allele CA143350.

ClinVar aggregate classification (germline): Conflicting classifications of pathogenicity. Review status: criteria provided, conflicting classifications (1 of 4 stars). 16 submissions from 15 submitters: Uncertain significance (1); Benign (10); Likely benign (2). 3 of the submissions do not count toward it. Last evaluated 2026-09-01.

Conditions:
Retinal dystrophy. Also called: Inherited retinal dystrophy. Identifiers: Orphanet 71862, MedGen C0854723, MeSH D058499, MONDO:0019118, HP:0000556.
Retinitis pigmentosa (RP). Identifiers: Orphanet 791, MedGen C0035334, MeSH D012174, MONDO:0019200, OMIM 268000. Inheritance: Autosomal dominant, autosomal recessive and X linked inheritance.
Usher syndrome type 2A. Also called: RETINAL DISEASE IN USHER SYNDROME TYPE IIA, MODIFIER OF; USHER SYNDROME, TYPE IIA. Identifiers: Orphanet 231178, Orphanet 886, MedGen C1848634, MONDO:0010169, OMIM 276901.

Allele frequency attached by ClinVar (database versions not stated): 1000 Genomes Project 0.00479; 1000 Genomes Project 30x 0.00515; ESP Exome Variant Server 0.01176; ExAC 0.01185; gnomAD exomes 0.01210; gnomAD 0.01233 and 0.01315; TOPMed 0.01240.
gnomAD v4.1: 26,031 of 1,613,512 alleles (1.6%); highest among the groups gnomAD compares: Non-Finnish European, 1.9%; 253 homozygotes.

Submissions (16):

CeGaT Center for Human Genetics Tuebingen
Classification: Benign. Last evaluated: 2026-09-01. Review status: criteria provided, single submitter. Criteria: CeGaT Center For Human Genetics Tuebingen Variant Classification Criteria Version 2. Collection method: clinical testing. Allele origin: germline. Affected: yes. Observed: 41 variant alleles.
Comment: USH2A: BP4, BS1, BS2

Labcorp Genetics (formerly Invitae), Labcorp
Classification: Benign. Last evaluated: 2026-02-04. Review status: criteria provided, single submitter. Criteria: Invitae Variant Classification Sherloc (09022015). Collection method: clinical testing. Allele origin: germline.

Dept Of Ophthalmology, Nagoya University
Classification: Benign for Retinal dystrophy. Last evaluated: 2023-10-01. Review status: criteria provided, single submitter. Criteria: Submitter's publication. Collection method: research. Allele origin: germline. Affected: yes.

Women's Health and Genetics/Laboratory Corporation of America, LabCorp
Classification: Likely benign. Last evaluated: 2022-02-17. Review status: criteria provided, single submitter. Criteria: LabCorp Variant Classification Summary - May 2015. Collection method: clinical testing. Allele origin: germline.

Mayo Clinic Laboratories, Mayo Clinic
Classification: Benign. Last evaluated: 2021-07-02. Review status: criteria provided, single submitter. Criteria: ACMG Guidelines, 2015. Collection method: clinical testing. Allele origin: germline. Observed: 5 variant alleles.

Genome-Nilou Lab
Classification: Likely benign for Usher syndrome type 2A. Last evaluated: 2021-05-18. Review status: criteria provided, single submitter. Criteria: ACMG Guidelines, 2015. Collection method: clinical testing. Allele origin: germline. Affected: no.

Athena Diagnostics
Classification: Benign. Last evaluated: 2018-09-20. Review status: criteria provided, single submitter. Criteria: Athena Diagnostics Criteria. Collection method: clinical testing. Allele origin: germline.

GeneDx
Classification: Benign. Last evaluated: 2018-05-14. Review status: criteria provided, single submitter. Criteria: GeneDx Variant Classification (06012015). Collection method: clinical testing. Allele origin: germline. Affected: yes.
Comment: This variant is considered likely benign or benign based on one or more of the following criteria: it is a conservative change, it occurs at a poorly conserved position in the protein, it is predicted to be benign by multiple in silico algorithms, and/or has population frequency not consistent with disease.

Illumina Laboratory Services, Illumina
Classification: Benign for Usher syndrome type 2A. Last evaluated: 2017-04-27. Review status: criteria provided, single submitter. Criteria: ICSL Variant Classification Criteria 13 December 2019. Collection method: clinical testing. Allele origin: germline.
Comment: This variant was observed as part of a predisposition screen in an ostensibly healthy population. A literature search was performed for the gene, cDNA change, and amino acid change (where applicable). Publications were found based on this search. The evidence from the literature, in combination with allele frequency data from public databases where available, was sufficient to rule this variant out of causing disease. Therefore, this variant is classified as benign.

Illumina Laboratory Services, Illumina
Classification: Uncertain significance for Retinitis pigmentosa. Last evaluated: 2017-04-27. Review status: criteria provided, single submitter. Criteria: ICSL Variant Classification Criteria 13 December 2019. Collection method: clinical testing. Allele origin: germline.

Institute of Human Genetics, Univ. Regensburg, Univ. Regensburg
Classification: Benign for Retinal dystrophy. Last evaluated: 2016-01-01. Review status: criteria provided, single submitter. Criteria: ACMG Guidelines, 2015. Collection method: clinical testing. Allele origin: germline. Affected: yes.

Eurofins Ntd Llc (ga)
Classification: Benign. Last evaluated: 2014-09-22. Review status: criteria provided, single submitter. Criteria: EGL Classification Definitions 2015. Collection method: clinical testing. Allele origin: germline. Observed: 1 variant allele, 1 heterozygote.

Laboratory for Molecular Medicine, Mass General Brigham Personalized Medicine
Classification: Benign. Last evaluated: 2009-06-24. Review status: criteria provided, single submitter. Criteria: LMM Criteria. Collection method: clinical testing. Allele origin: germline. Observed: 60 variant alleles.

Natera, Inc.
Classification: Benign for Usher syndrome type 2A. Last evaluated: 2020-09-16. Review status: no assertion criteria provided. Collection method: clinical testing. Allele origin: germline. Not counted in ClinVar's aggregate classification.

Clinical Genetics DNA and cytogenetics Diagnostics Lab, Erasmus MC, Erasmus Medical Center
Classification: Benign. Review status: no assertion criteria provided. Collection method: clinical testing. Allele origin: germline. Affected: yes. Study: VKGL Data-share Consensus. Not counted in ClinVar's aggregate classification.

Joint Genome Diagnostic Labs from Nijmegen and Maastricht, Radboudumc and MUMC+
Classification: Benign. Review status: no assertion criteria provided. Collection method: clinical testing. Allele origin: germline. Affected: yes. Study: VKGL Data-share Consensus. Not counted in ClinVar's aggregate classification.

Literature cited by the submitters: PubMed 15325563 (cited by 3 submitters); PubMed 21569298 (cited by Athena Diagnostics and Institute of Human Genetics, Univ. Regensburg, Univ. Regensburg); PubMed 22004887 (cited by Athena Diagnostics and Institute of Human Genetics, Univ. Regensburg, Univ. Regensburg); PubMed 25262649 (cited by Athena Diagnostics and Institute of Human Genetics, Univ. Regensburg, Univ. Regensburg); PubMed 18273898 (cited by Illumina Laboratory Services, Illumina and Laboratory for Molecular Medicine, Mass General Brigham Personalized Medicine); PubMed 16963483 (cited by Illumina Laboratory Services, Illumina and Laboratory for Molecular Medicine, Mass General Brigham Personalized Medicine); PubMed 30245029 (cited by Institute of Human Genetics, Univ. Regensburg, Univ. Regensburg); PubMed 29625443 (cited by Institute of Human Genetics, Univ. Regensburg, Univ. Regensburg); PubMed 31429209 (cited by Institute of Human Genetics, Univ. Regensburg, Univ. Regensburg); PubMed 34781295 (cited by Institute of Human Genetics, Univ. Regensburg, Univ. Regensburg); PubMed 10738000 (cited by Laboratory for Molecular Medicine, Mass General Brigham Personalized Medicine); PubMed 16098008 (cited by Laboratory for Molecular Medicine, Mass General Brigham Personalized Medicine); PubMed 17296898 (cited by Laboratory for Molecular Medicine, Mass General Brigham Personalized Medicine).